The following is an entry in ClinVar:

ClinVar aggregate classification (germline): Uncertain significance (1 of 4 stars; one submission).

Conditions:
Charcot-Marie-Tooth disease axonal type 2O. Also called: CHARCOT-MARIE-TOOTH NEUROPATHY, AXONAL, TYPE 2O; CHARCOT-MARIE-TOOTH DISEASE, AXONAL, AUTOSOMAL DOMINANT, TYPE 2O; Charcot-Marie-Tooth disease, axonal, type 20; Charcot-Marie-Tooth Neuropathy Type 2O. Identifiers: Orphanet 284232, MedGen C3280220, MONDO:0013644, OMIM 614228.

Submission:

Labcorp Genetics (formerly Invitae), Labcorp
Classification: Uncertain significance for Charcot-Marie-Tooth disease axonal type 2O. Last evaluated: 2022-08-31. Review status: criteria provided, single submitter. Criteria: Invitae Variant Classification Sherloc (09022015). Collection method: clinical testing. Allele origin: germline.
Comment: In summary, the available evidence is currently insufficient to determine the role of this variant in disease. Therefore, it has been classified as a Variant of Uncertain Significance. Advanced modeling of protein sequence and biophysical properties (such as structural, functional, and spatial information, amino acid conservation, physicochemical variation, residue mobility, and thermodynamic stability) performed at Invitae indicates that this missense variant is not expected to disrupt DYNC1H1 protein function. This variant has not been reported in the literature in individuals affected with DYNC1H1-related conditions. This variant is not present in population databases (gnomAD no frequency). This sequence change replaces methionine, which is neutral and non-polar, with leucine, which is neutral and non-polar, at codon 2202 of the DYNC1H1 protein (p.Met2202Leu).

NM_001376.5(DYNC1H1):c.6604A>C (p.Met2202Leu)

Gene: DYNC1H1 (dynein cytoplasmic 1 heavy chain 1; plus strand). Cytogenetic location: 14q32.31.
Variant type: single nucleotide variant.
Coding change: c.6604A>C on transcript NM_001376.5 (MANE Select); coding-DNA position 6604, A replaced by C.
Protein change: p.Met2202Leu; replaces methionine 2202 with leucine.
Molecular consequence: missense variant.
Genome position (GRCh38, 1-based): chr14:102,010,938, A>C. VCF-style: chr14-102010938-A-C. GRCh37 (hg19) VCF-style: chr14-102477275-A-C.
Other names: short protein forms M2202L.
Identifiers: ClinVar variation 2004805 (VCV002004805.4), dbSNP rs771240057, ClinGen allele CA391056204.